The following is an entry in ClinVar:

NM_024675.4(PALB2):c.188T>C (p.Leu63Pro)

Gene: PALB2 (partner and localizer of BRCA2; minus strand). Cytogenetic location: 16p12.2.
Variant type: single nucleotide variant.
Coding change: c.188T>C on transcript NM_024675.4 (MANE Select); coding-DNA position 188, T replaced by C.
Protein change: p.Leu63Pro; replaces leucine 63 with proline.
Molecular consequence: missense variant.
Genome position (GRCh38, 1-based): chr16:23,637,873, A>G on the plus strand (T>C on the coding strand, the complement: PALB2 is on the minus strand). VCF-style: chr16-23637873-A-G. GRCh37 (hg19) VCF-style: chr16-23649194-A-G.
Other names: short protein forms L63P.
Identifiers: ClinVar variation 946683 (VCV000946683.10), dbSNP rs1967100204, ClinGen allele CA395139051.
Genomic context (GRCh38, chr16:23,637,873, plus strand): 5'-ATAATAAAGCAGGCATAAGTGAATGGTCTAGATTTACCTGAGTGTTTTAGCTGCGGTGAG[A>G]GATCCTGCTGAGACAAACAATCTTGTTCTTCTACTGTTTTCTTAATAGAATGCTTAATCT-3'
Protein context (NP_078951.2, residues 53-73): EEQDCLSQQD[Leu63Pro]SPQLKHSEPK

ClinVar aggregate classification (germline): Uncertain significance (1 of 4 stars; one submission).

Conditions:
Familial cancer of breast. Also called: Hereditary breast cancer; hereditary breast carcinoma; BREAST CANCER, FAMILIAL. Identifiers: Orphanet 227535, MedGen C0346153, MONDO:0016419, OMIM 114480. Disease mechanism: loss of function.

Submission:

Labcorp Genetics (formerly Invitae), Labcorp
Classification: Uncertain significance for Familial cancer of breast. Last evaluated: 2022-01-17. Review status: criteria provided, single submitter. Criteria: Invitae Variant Classification Sherloc (09022015). Collection method: clinical testing. Allele origin: germline.
Comment: In summary, the available evidence is currently insufficient to determine the role of this variant in disease. Therefore, it has been classified as a Variant of Uncertain Significance. Algorithms developed to predict the effect of missense changes on protein structure and function (SIFT, PolyPhen-2, Align-GVGD) all suggest that this variant is likely to be tolerated. ClinVar contains an entry for this variant (Variation ID: 946683). This variant has not been reported in the literature in individuals affected with PALB2-related conditions. This variant is not present in population databases (gnomAD no frequency). This sequence change replaces leucine, which is neutral and non-polar, with proline, which is neutral and non-polar, at codon 63 of the PALB2 protein (p.Leu63Pro).